The following is an entry in ClinVar:

NM_004606.5(TAF1):c.4982G>A (p.Arg1661Gln)

Gene: TAF1 (TATA-box binding protein associated factor 1; plus strand). Cytogenetic location: Xq13.1.
Variant type: single nucleotide variant.
Coding change: c.4982G>A on transcript NM_004606.5 (MANE Select); coding-DNA position 4982, G replaced by A.
Protein change: p.Arg1661Gln; replaces arginine 1661 with glutamine.
Molecular consequence: missense variant. On other transcripts: non-coding transcript variant (9).
Genome position (GRCh38, 1-based): chrX:71,458,284, G>A. VCF-style: chrX-71458284-G-A. GRCh37 (hg19) VCF-style: chrX-70678134-G-A.
Other names: c.4988G>A, p.Arg1663Gln (NM_001286074.2); c.4919G>A, p.Arg1640Gln (NM_138923.4); c.5042G>A (NM_004606.3); short protein forms R1640Q, R1661Q, R1663Q.
Identifiers: ClinVar variation 2673243 (VCV002673243.24), dbSNP rs745325825, ClinGen allele CA10447296.

ClinVar aggregate classification (germline): Likely benign. Review status: criteria provided, multiple submitters, no conflicts (2 of 4 stars). 2 submissions from 2 submitters: Likely benign (2). Last evaluated 2024-12-04.

Conditions:
Inborn genetic diseases. Identifiers: MedGen C0950123, MeSH D030342.

Allele frequency attached by ClinVar (database versions not stated): gnomAD exomes 0.00002; TOPMed 0.00002; ExAC 0.00003.
gnomAD v4.1: 20 of 1,211,582 alleles (0.0017%); highest among the groups gnomAD compares: Middle Eastern, 0.25%; no homozygotes.

Submissions (2):

Ambry Genetics
Classification: Likely benign for Inborn genetic diseases. Last evaluated: 2024-12-04. Review status: criteria provided, single submitter. Criteria: Ambry Variant Classification Scheme 2023. Collection method: clinical testing. Allele origin: germline.

CeGaT Center for Human Genetics Tuebingen
Classification: Likely benign. Last evaluated: 2024-08-01. Review status: criteria provided, single submitter. Criteria: CeGaT Center For Human Genetics Tuebingen Variant Classification Criteria Version 2. Collection method: clinical testing. Allele origin: germline. Affected: yes. Observed: 2 variant alleles.
Comment: TAF1: BP4, BS2